The following is an entry in ClinVar:

NM_007294.4(BRCA1):c.547+322A>G

Gene: BRCA1 (BRCA1 DNA repair associated; minus strand). Cytogenetic location: 17q21.31.
Variant type: single nucleotide variant.
Coding change: c.547+322A>G on transcript NM_007294.4 (MANE Select); 322 bases into the intron after coding-DNA position 547, A replaced by G.
Molecular consequence: intron variant.
Genome position (GRCh38, 1-based): chr17:43,099,453, T>C on the plus strand (A>G on the coding strand, the complement: BRCA1 is on the minus strand). VCF-style: chr17-43099453-T-C. GRCh37 (hg19) VCF-style: chr17-41251470-T-C.
Other names: IVS 8+322A>G; c.406+322A>G (NM_001408458.1, NM_001407922.1, NM_001408469.1 and 61 more transcripts); c.-218-4593A>G (NM_001407967.1, NM_001407966.1); c.166+322A>G (NM_001407959.1, NM_001408512.1, NM_001408510.1 and 3 more transcripts); c.403+322A>G (NM_001407931.1, NM_001407747.1, NM_001408470.1 and 35 more transcripts); c.163+322A>G (NM_001407962.1); c.337+322A>G (NM_001407885.1, NM_001407886.1, NM_001407881.1 and 37 more transcripts); c.544+322A>G (NM_001407686.1, NM_001408397.1, NM_001407632.1 and 65 more transcripts); and 6 more.
Identifiers: ClinVar variation 209462 (VCV000209462.2), dbSNP rs142085161, ClinGen allele CA276432.
Genomic context (GRCh38, chr17:43,099,453, plus strand): 5'-CCCGAGTAGCTGGGATTACAGTTATGTGCCACCACACCTGGCTAATTTTTTATTTTTTGG[T>C]ACAGACAGAGTTTCTCCATGTTGGCTAGGCTGGTCTCGAACTCCCGACCTCAGGTGATCC-3'

ClinVar aggregate classification (germline): Benign (3 of 4 stars; one submission).

Conditions:
Breast-ovarian cancer, familial, susceptibility to, 1 (BROVCA1). Also called: BRCA1 Hereditary Breast and Ovarian Cancer; OVARIAN CANCER, SUSCEPTIBILITY TO. Identifiers: Orphanet 145, MedGen C2676676, MONDO:0011450, OMIM 604370. Disease mechanism: loss of function.

Allele frequency attached by ClinVar (database versions not stated): gnomAD 0.00274 and 0.00300; 1000 Genomes Project 0.00300; TOPMed 0.00309.
gnomAD v4.1: 412 of 151,814 alleles (0.27%); highest among the groups gnomAD compares: African/African-American, 0.93%; 1 homozygote.

Submission:

Evidence-based Network for the Interpretation of Germline Mutant Alleles (ENIGMA)
Classification: Benign for Breast-ovarian cancer, familial 1. Last evaluated: 2015-01-12. Review status: reviewed by expert panel. Criteria: ENIGMA BRCA1/2 Classification Criteria (2015). Collection method: curation. Allele origin: germline.
Comment: Class 1 not pathogenic based on frequency >1% in an outbred sampleset. Frequency 0.0122 (African), derived from 1000 genomes (2012-04-30).